The following is an entry in ClinVar:

NM_003383.5(VLDLR):c.315A>G (p.Pro105=)

Gene: VLDLR (very low density lipoprotein receptor; plus strand). Cytogenetic location: 9p24.2.
Variant type: single nucleotide variant.
Coding change: c.315A>G on transcript NM_003383.5 (MANE Select); coding-DNA position 315, A replaced by G.
Protein change: p.Pro105=; no amino-acid change (proline 105 retained).
Molecular consequence: synonymous variant.
Genome position (GRCh38, 1-based): chr9:2,639,971, A>G. VCF-style: chr9-2639971-A-G. GRCh37 (hg19) VCF-style: chr9-2639971-A-G.
Other names: p.Pro105=; c.315A>G, p.Pro105= (NM_001018056.3, NM_001322225.2, NM_001322226.2); c.315A>G (NM_003383.4).
Identifiers: ClinVar variation 212558 (VCV000212558.12), dbSNP rs138500615, ClinGen allele CA208808.

ClinVar aggregate classification (germline): Conflicting classifications of pathogenicity. Review status: criteria provided, conflicting classifications (1 of 4 stars). 4 submissions from 4 submitters: Uncertain significance (1); Likely benign (2). 1 of the submissions does not count toward it. Last evaluated 2026-01-19.

Conditions:
VLDLR-related disorder. Also called: VLDLR-related condition.

Allele frequency attached by ClinVar (database versions not stated): gnomAD 0.00009; gnomAD exomes 0.00007 and 0.00012; ExAC 0.00003; TOPMed 0.00005; ESP Exome Variant Server 0.00015.

Submissions (4):

Labcorp Genetics (formerly Invitae), Labcorp
Classification: Likely benign. Last evaluated: 2026-01-19. Review status: criteria provided, single submitter. Criteria: Invitae Variant Classification Sherloc (09022015). Collection method: clinical testing. Allele origin: germline.

Mayo Clinic Laboratories, Mayo Clinic
Classification: Likely benign. Last evaluated: 2025-05-01. Review status: criteria provided, single submitter. Criteria: ACMG Guidelines, 2015. Collection method: clinical testing. Allele origin: germline. Observed: 1 variant allele.
Comment: BP4, BP7

Genetic Services Laboratory, University of Chicago
Classification: Uncertain significance. Last evaluated: 2014-08-27. Review status: criteria provided, single submitter. Criteria: ACMG Guidelines, 2015. Collection method: clinical testing. Allele origin: germline.

PreventionGenetics, part of Exact Sciences
Classification: Likely benign for VLDLR-related condition. Last evaluated: 2021-04-26. Review status: no assertion criteria provided. Collection method: clinical testing. Allele origin: germline. Not counted in ClinVar's aggregate classification.
Comment: This variant is classified as likely benign based on ACMG/AMP sequence variant interpretation guidelines (Richards et al. 2015 PMID: 25741868, with internal and published modifications).